The following is an entry in ClinVar:

NM_001130987.2(DYSF):c.4042del (p.Gln1348fs)

Gene: DYSF (dysferlin; plus strand). Cytogenetic location: 2p13.2.
Variant type: Deletion.
Coding change: c.4042del on transcript NM_001130987.2 (MANE Select); coding-DNA position 4042, one base deleted (C; older notation c.4042delC).
Protein change: p.Gln1348fs; shifts the reading frame from glutamine 1348.
Molecular consequence: frameshift variant.
Genome position (GRCh38, 1-based): chr2:71,611,329, C deleted; the last of 2 consecutive C bases (chr2:71,611,328-71,611,329); deleting either gives the same sequence. VCF-style (leftmost placement, unchanged base first): chr2-71611327-TC-T. GRCh37 (hg19) VCF-style: chr2-71838457-TC-T.
Other names: c.3991del, p.Gln1331fs (NM_001130455.2, NM_001130983.2); c.3946del, p.Gln1316fs (NM_001130976.2, NM_001130977.2); c.3988del, p.Gln1330fs (NM_001130978.2, NM_003494.4); c.4081del, p.Gln1361fs (NM_001130979.2); c.4039del, p.Gln1347fs (NM_001130980.2, NM_001130981.2); c.4084del, p.Gln1362fs (NM_001130982.2); c.3949del, p.Gln1317fs (NM_001130984.2, NM_001130986.2); c.4042del, p.Gln1348fs (NM_001130985.2); short protein forms Q1316fs, Q1317fs, Q1330fs, Q1331fs, Q1347fs, Q1348fs, Q1361fs, Q1362fs.
Identifiers: ClinVar variation 5016203 (VCV005016203.1).
Genomic context (GRCh38, chr2:71,611,327, plus strand): 5'-ACCCACCACCCCAGAGGGAGGCCAACATCTACATGGTTCCTCAGAACATCAAGCCAGCGC[TC>T]CAGCGTACCGCCATCGAGGTGAGCCGTCCGGGCCTGGGCGTGGGGGCTGGGAGCAGCCTG-3'

ClinVar aggregate classification (germline): Pathogenic (1 of 4 stars; one submission).

Conditions:
Autosomal recessive limb-girdle muscular dystrophy. Identifiers: Orphanet 102015, MedGen C2931907, MONDO:0015152.

Submission:

Myriad Genetics, Inc.
Classification: Pathogenic for Autosomal recessive limb-girdle muscular dystrophy. Last evaluated: 2026-08-06. Review status: criteria provided, single submitter. Criteria: Myriad Autosomal Dominant, Autosomal Recessive and X-Linked Classification Criteria (2023). Collection method: clinical testing. Allele origin: unknown.
Comment: NM_003494.3(DYSF):c.3988delC(Q1330Sfs*15) is expected to be pathogenic in the context of dysferlinopathy. This variant is predicted to lead to an abnormal or absent protein product due to the creation of a premature termination codon in DYSF, a gene where loss-of-function variants are known to be pathogenic. Please note: this variant was assessed in the context of healthy population screening.